The following is an entry in ClinVar:

ClinVar aggregate classification (germline): Pathogenic/Likely pathogenic. Review status: criteria provided, multiple submitters, no conflicts (2 of 4 stars). 7 submissions from 7 submitters: Pathogenic (6); Likely pathogenic (1). Last evaluated 2025-05-06.

Conditions:
Mitochondrial complex I deficiency, nuclear type 17. Also called: Mitochondrial complex 1 deficiency, nuclear type 17. Identifiers: MedGen C4748786, MONDO:0032622, OMIM 618239.
Leigh syndrome (NULS). Also called: Leigh's syndrome; Leigh Disease; Subacute necrotizing encephalopathy; Necrotizing encephalopathy infantile subacute of Leigh; Leigh Syndrome (mtDNA deletion); LEIGH SYNDROME, NUCLEAR. Identifiers: Orphanet 506, MedGen C2931891, MONDO:0009723, OMIM 256000.

Allele frequency attached by ClinVar (database versions not stated): ExAC 0.00002; gnomAD 0.00002 and 0.00001; TOPMed 0.00003; gnomAD exomes 0.00002.

Submissions (8):

Variantyx, Inc.
Classification: Pathogenic for Mitochondrial complex I deficiency, nuclear type 17. Last evaluated: 2025-05-06. Review status: criteria provided, single submitter. Criteria: Variantyx Assertion Criteria 2022. Collection method: clinical testing. Allele origin: germline. Inheritance: Autosomal recessive inheritance. Affected: no.
Comment: This is a nonsense variant in the NDUFAF6 gene (OMIM: 612392). Pathogenic variants in this gene have been associated with autosomal recessive mitochondrial complex I deficiency nuclear type 17. This variant introduces a premature termination codon in exon 3 out of 9 and is expected to result in loss of function, which is a known disease mechanism for NDUFAF6 in this disorder (PMID: 28639102) (PVS1). This variant has been identified in the homozygous or compound heterozygous state in at least 2 individuals reported in the published literature (PMID: 28639102, 37644014) (PM3) and has a 0.0112% maximum allele frequency in non-founder control populations (PM2). Based on the current evidence, this variant is classified as pathogenic for autosomal recessive mitochondrial complex I deficiency nuclear type 17.

GeneDx
Classification: Pathogenic. Last evaluated: 2025-02-25. Review status: criteria provided, single submitter. Criteria: GeneDx Variant Classification Process June 2021. Collection method: clinical testing. Allele origin: germline. Affected: yes.
Comment: Observed with a second NDUFAF6 variant on the opposite allele (in trans) in patients with Leigh syndrome in the published literature (PMID: 28639102, 38720117); Published functional studies demonstrate a damaging effect: negatively impacts respiratory complex activity (PMID: 38720117); Nonsense variant predicted to result in protein truncation or nonsense mediated decay in a gene for which loss of function is a known mechanism of disease; Not observed at significant frequency in large population cohorts (gnomAD); This variant is associated with the following publications: (PMID: 30642748, 31967322, 31665838, 32348839, 35664867, 37644014, 35094435, 38720117, 39720739, 28639102)

Genomic Medicine Center of Excellence, King Faisal Specialist Hospital and Research Centre
Classification: Pathogenic for Mitochondrial complex I deficiency, nuclear type 17. Last evaluated: 2024-03-17. Review status: criteria provided, single submitter. Criteria: ACMG Guidelines, 2015. Collection method: research. Allele origin: germline.

3billion
Classification: Pathogenic for Mitochondrial complex I deficiency, nuclear type 17. Last evaluated: 2023-02-23. Review status: criteria provided, single submitter. Criteria: ACMG Guidelines, 2015. Collection method: clinical testing. Allele origin: unknown. Affected: yes.
Comment: The variant is observed at an extremely low frequency in the gnomAD v2.1.1 dataset (total allele frequency: 0.002%). This variant was predicted to result in a loss or disruption of normal protein function through nonsense-mediated decay (NMD) or protein truncation. Multiple pathogenic variants are reported downstream of the variant. The variant has been reported to be associated with NDUFAF6 related disorder (PMID: 28639102). Therefore, this variant is classified as Pathogenic according to the recommendation of ACMG/AMP guideline.

Labcorp Genetics (formerly Invitae), Labcorp
Classification: Pathogenic. Last evaluated: 2022-04-19. Review status: criteria provided, single submitter. Criteria: Invitae Variant Classification Sherloc (09022015). Collection method: clinical testing. Allele origin: germline.
Comment: For these reasons, this variant has been classified as Pathogenic. ClinVar contains an entry for this variant (Variation ID: 972921). This premature translational stop signal has been observed in individuals with Leigh syndrome (PMID: 28639102, 31665838, 31967322, 32348839). This variant is present in population databases (rs753873681, gnomAD 0.004%). This sequence change creates a premature translational stop signal (p.Arg113*) in the NDUFAF6 gene. It is expected to result in an absent or disrupted protein product. Loss-of-function variants in NDUFAF6 are known to be pathogenic (PMID: 28639102, 30642748).

The Molecular Genetic and Pathologic Diagnosis Center of Neuromuscular Disorder, Children's Hospital of Fudan University
Classification: Pathogenic for Leigh syndrome. Last evaluated: 2019-12-01. Review status: criteria provided, single submitter. Criteria: ACMG Guidelines, 2015. Collection method: clinical testing. Allele origin: germline. Affected: yes.

Neuberg Centre For Genomic Medicine, NCGM
Classification: Likely pathogenic for Mitochondrial complex I deficiency, nuclear type 17. Review status: criteria provided, single submitter. Criteria: ACMG Guidelines, 2015. Collection method: clinical testing. Allele origin: germline. Inheritance: Autosomal recessive inheritance. Affected: yes.
Comment: The stop gained p.R113* in NDUFAF6 (NM_152416.4) has been observed with a second NDUFAF6 variant on the opposite allele (in trans) in a patient with Leigh syndrome in the published literature (Fang et al., 2017). The variant has been reported to ClinVar as Pathogenic/Likely Pathogenic. The p.R113* variant is observed in 4/1,13,218 (0.0035%) alleles from individuals of European (Non-Finnish) background in gnomAD Exomes and is novel (not in any individuals) in 1000 Genomes. This variant is predicted to cause loss of normal protein function through protein truncation. For these reasons, this variant has been classified as Likely Pathogenic.

Dr. Peter K. Rogan Lab, Western University
No classification provided (evidence only). Condition: Familial prostate cancer. Review status: no classification provided. Collection method: in vitro. Allele origin: not applicable. Functional consequence: retained intron. Not counted in ClinVar's aggregate classification.

Literature cited by the submitters: PubMed 28639102 (cited by 3 submitters); PubMed 37644014 (cited by Variantyx, Inc.); PubMed 31665838 (cited by Labcorp Genetics (formerly Invitae), Labcorp); PubMed 31967322 (cited by Labcorp Genetics (formerly Invitae), Labcorp); PubMed 32348839 (cited by Labcorp Genetics (formerly Invitae), Labcorp); PubMed 30642748 (cited by Labcorp Genetics (formerly Invitae), Labcorp).

NM_152416.4(NDUFAF6):c.337C>T (p.Arg113Ter)

Gene: NDUFAF6 (NADH:ubiquinone oxidoreductase complex assembly factor 6; plus strand). Cytogenetic location: 8q22.1.
Variant type: single nucleotide variant.
Coding change: c.337C>T on transcript NM_152416.4 (MANE Select); coding-DNA position 337, C replaced by T.
Protein change: p.Arg113Ter; replaces arginine 113 with a stop codon.
Molecular consequence: nonsense. On other transcripts: 5 prime UTR variant (10), non-coding transcript variant (6).
Genome position (GRCh38, 1-based): chr8:95,035,493, C>T. VCF-style: chr8-95035493-C-T. GRCh37 (hg19) VCF-style: chr8-96047721-C-T.
Other names: c.61C>T, p.Arg21Ter (NM_001330582.2, NM_001354514.2, NM_001354515.2 and 1 more transcripts); c.337C>T (NM_152416.3); c.181C>T, p.Arg61Ter (NM_001354516.2); c.4C>T, p.Arg2Ter (NM_001354517.2, NM_001354518.2, NM_001354519.2 and 1 more transcripts); c.-244C>T (NM_001354522.2, NM_001354529.2, NM_001354530.2 and 1 more transcripts); c.-313C>T (NM_001354524.2, NM_001354525.2, NM_001354528.2 and 1 more transcripts); c.-342C>T (NM_001354527.2, NM_001354531.2); short protein forms R2*, R113*, R21*, R61*.
Identifiers: ClinVar variation 972921 (VCV000972921.15), dbSNP rs753873681, ClinGen allele CA4814749.